The following is an entry in ClinVar:

NM_005245.4(FAT1):c.8914A>G (p.Ile2972Val)

Genes: FAT1 (FAT atypical cadherin 1; minus strand), LOC126807255 (BRD4-independent group 4 enhancer GRCh37_chr4:187538202-187539401; plus strand). Cytogenetic location: 4q35.2.
Variant type: single nucleotide variant.
Coding change: c.8914A>G on transcript NM_005245.4 (MANE Select); coding-DNA position 8914, A replaced by G.
Protein change: p.Ile2972Val; replaces isoleucine 2972 with valine.
Molecular consequence: missense variant.
Genome position (GRCh38, 1-based): chr4:186,617,166, T>C on the plus strand (A>G on the coding strand, the complement: FAT1 is on the minus strand). VCF-style: chr4-186617166-T-C. GRCh37 (hg19) VCF-style: chr4-187538320-T-C.
Other names: short protein forms I2972V.
Identifiers: ClinVar variation 770159 (VCV000770159.10), dbSNP rs766181613, ClinGen allele CA3165781.
Genomic context (GRCh38, chr4:186,617,166, plus strand): 5'-AATTGTCCCTTTTTTCCCTGTCTAGAGGTTTCTTCACATATACCTTCCATTCATTCTGTA[T>C]AGTTTCAACGGCAAACTGTCCTAAAGGATCCCCTCCTATTAAATCAATGGAGGAAGATAA-3'
Protein context (NP_005236.2, residues 2962-2982): DPLGQFAVET[Ile2972Val]QNEWKVYVKK

ClinVar aggregate classification (germline): Likely benign. Review status: criteria provided, multiple submitters, no conflicts (2 of 4 stars). 3 submissions from 3 submitters: Likely benign (3). Last evaluated 2025-11-12.

Conditions:
FAT1-related disorder. Also called: FAT1-related condition.
Inborn genetic diseases. Identifiers: MedGen C0950123, MeSH D030342.

Allele frequency attached by ClinVar (database versions not stated): gnomAD 0.00008 and 0.00009; gnomAD exomes 0.00019 and 0.00082; TOPMed 0.00023; ExAC 0.00068.
gnomAD v4.1: 278 of 1,612,306 alleles (0.017%); highest among the groups gnomAD compares: Admixed American, 0.35%; 2 homozygotes.

Submissions (3):

Labcorp Genetics (formerly Invitae), Labcorp
Classification: Likely benign. Last evaluated: 2025-11-12. Review status: criteria provided, single submitter. Criteria: Invitae Variant Classification Sherloc (09022015). Collection method: clinical testing. Allele origin: germline.

PreventionGenetics, part of Exact Sciences
Classification: Likely benign for FAT1-related condition. Last evaluated: 2025-07-21. Review status: criteria provided, single submitter. Criteria: ACMG Guidelines, 2015. Collection method: clinical testing. Allele origin: germline.
Comment: This variant is classified as likely benign based on ACMG/AMP sequence variant interpretation guidelines (Richards et al. 2015 PMID: 25741868, with internal and published modifications).

Ambry Genetics
Classification: Likely benign for Inborn genetic diseases. Last evaluated: 2025-04-10. Review status: criteria provided, single submitter. Criteria: Ambry Variant Classification Scheme 2023. Collection method: clinical testing. Allele origin: germline.